The following is an entry in ClinVar:

GRCh38/hg38 4q12(chr4:51816451-56201259)x3

Genes: CEP135 (centrosomal protein 135; plus strand), CHIC2 (cysteine rich hydrophobic domain 2; minus strand), CLOCK (clock circadian regulator; minus strand), CLOCK-AS1 (CLOCK antisense RNA 1; plus strand), CRACD (capping protein inhibiting regulator of actin dynamics; plus strand) and 106 more. Cytogenetic location: 4q12.
Variant type: copy number gain.
Change: copy number 3 (three copies instead of two) of chr4:51,816,451-56,201,259 (4.38 Mb, GRCh38 coordinates, 1-based), cytogenetic band 4q12.
Identifiers: ClinVar variation 5038318 (VCV005038318.1).

ClinVar aggregate classification (germline): Uncertain significance (1 of 4 stars; one submission).

Submission:

Clinical Genomics Laboratory, Laboratory for Precision Diagnostics, University of Washington
Classification: Uncertain significance. Last evaluated: 2025-02-07. Review status: criteria provided, single submitter. Criteria: ACMG/ClinGen CNV Guidelines, 2019. Collection method: clinical testing. Allele origin: unknown. Affected: yes. Observed: 1 variant allele.
Comment: These three interstitial duplications are each separated by a region of typical two copies. Previous studies have shown that rings can be composed of discontinuous chromosomal regions (PMID: 7485165). The most proximal of the duplications is immediately next to the centromere of chromosome 4. These duplications may form a complex ring chromosome of chromosome 4 that includes a centromere. However, this test cannot determine genomic structure. This duplication is approximately 4.38 Mb in size and affects 24 protein-coding genes. None of the genes in this region are known to cause medical problems in humans when an extra copy is present (triplosensitivity), and this is not a known triplosensitive genomic region. The distal breakpoint lies within CRACD, which is not associated with human health problems. It is unknown whether this duplication would disrupt CRACD or affect its expression. No similar duplications are found in public databases of copy number variants found in healthy control groups or in people who had clinical testing. No people with similar duplications have been published in the medical literature.

Literature cited by the submitters: PubMed 26884814.